The following is an entry in ClinVar:

NM_000553.6(WRN):c.3983-6T>G

Gene: WRN (WRN RecQ like helicase; plus strand). Cytogenetic location: 8p12.
Variant type: single nucleotide variant.
Coding change: c.3983-6T>G on transcript NM_000553.6 (MANE Select); 6 bases into the intron before coding-DNA position 3983, T replaced by G.
Molecular consequence: intron variant.
Genome position (GRCh38, 1-based): chr8:31,167,016, T>G. VCF-style: chr8-31167016-T-G. GRCh37 (hg19) VCF-style: chr8-31024532-T-G.
Identifiers: ClinVar variation 3000362 (VCV003000362.3), dbSNP rs2536080981, ClinGen allele CA2740094987.
Genomic context (GRCh38, chr8:31,167,016, plus strand): 5'-GCTCATAGGTTTTCTAAAATATTCTCTGTAATTTATTTTGAAATGGAGTTTTTTTATCGT[T>G]TACAGATATGAGTAAAATTAGCCTAATCAGAATGTTAGTTCCTGAAAACATTGACACGTA-3'

ClinVar aggregate classification (germline): Uncertain significance (1 of 4 stars; one submission).

Conditions:
Werner syndrome (WRN). Identifiers: Orphanet 902, MedGen C0043119, MONDO:0010196, OMIM 277700.

Submission:

Labcorp Genetics (formerly Invitae), Labcorp
Classification: Uncertain significance for Werner syndrome. Last evaluated: 2023-03-20. Review status: criteria provided, single submitter. Criteria: Invitae Variant Classification Sherloc (09022015). Collection method: clinical testing. Allele origin: germline.
Comment: In summary, the available evidence is currently insufficient to determine the role of this variant in disease. Therefore, it has been classified as a Variant of Uncertain Significance. Algorithms developed to predict the effect of sequence changes on RNA splicing suggest that this variant may disrupt the consensus splice site. This variant has not been reported in the literature in individuals affected with WRN-related conditions. This variant is not present in population databases (gnomAD no frequency). This sequence change falls in intron 33 of the WRN gene. It does not directly change the encoded amino acid sequence of the WRN protein.